The following is an entry in ClinVar:

ClinVar aggregate classification (germline): Uncertain significance (1 of 4 stars; one submission).

Conditions:
Familial cancer of breast. Also called: hereditary breast carcinoma; Hereditary breast cancer; BREAST CANCER, FAMILIAL. Identifiers: Orphanet 227535, MedGen C0346153, MONDO:0016419, OMIM 114480. Disease mechanism: loss of function.
Fanconi anemia complementation group J. Also called: BRIP1-Related Fanconi Anemia. Identifiers: Orphanet 84, MedGen C1836860, MONDO:0012187, OMIM 609054.

Submission:

Labcorp Genetics (formerly Invitae), Labcorp
Classification: Uncertain significance for Familial cancer of breast; Fanconi anemia complementation group J. Last evaluated: 2025-09-05. Review status: criteria provided, single submitter. Criteria: Invitae Variant Classification Sherloc (09022015). Collection method: clinical testing. Allele origin: germline.
Comment: This sequence change replaces lysine, which is basic and polar, with glutamine, which is neutral and polar, at codon 159 of the BRIP1 protein (p.Lys159Gln). This variant is not present in population databases (gnomAD no frequency). This variant has not been reported in the literature in individuals affected with BRIP1-related conditions. ClinVar contains an entry for this variant (Variation ID: 1508016). Invitae Evidence Modeling of protein sequence and biophysical properties (such as structural, functional, and spatial information, amino acid conservation, physicochemical variation, residue mobility, and thermodynamic stability) has been performed for this missense variant. However, the output from this modeling did not meet the statistical confidence thresholds required to predict the impact of this variant on BRIP1 protein function. In summary, the available evidence is currently insufficient to determine the role of this variant in disease. Therefore, it has been classified as a Variant of Uncertain Significance.

NM_032043.3(BRIP1):c.475A>C (p.Lys159Gln)

Gene: BRIP1 (BRCA1 interacting DNA helicase 1; minus strand). Cytogenetic location: 17q23.2.
Variant type: single nucleotide variant.
Coding change: c.475A>C on transcript NM_032043.3 (MANE Select); coding-DNA position 475, A replaced by C.
Protein change: p.Lys159Gln; replaces lysine 159 with glutamine.
Molecular consequence: missense variant.
Genome position (GRCh38, 1-based): chr17:61,849,161, T>G on the plus strand (A>C on the coding strand, the complement: BRIP1 is on the minus strand). VCF-style: chr17-61849161-T-G. GRCh37 (hg19) VCF-style: chr17-59926522-T-G.
Other names: short protein forms K159Q.
Identifiers: ClinVar variation 1508016 (VCV001508016.9), dbSNP rs2078778116, ClinGen allele CA400484410.